The following is an entry in ClinVar:

ClinVar aggregate classification (germline): Uncertain significance (1 of 4 stars; one submission).

gnomAD v4.1: 1 of 1,587,730 alleles (0.000063%); highest among the groups gnomAD compares: Non-Finnish European, 0.000085%; no homozygotes.

Submission:

Ambry Genetics
Classification: Uncertain significance. Last evaluated: 2026-04-21. Review status: criteria provided, single submitter. Criteria: Ambry Variant Classification Scheme 2023. Collection method: clinical testing. Allele origin: germline.
Comment: The c.452G>C variant (also known as p.R151T), located in coding exon 4 of the RAD51B gene, results from a G to C substitution at nucleotide position 452. The amino acid change results in arginine to threonine at codon 151, an amino acid with similar properties. However, this change occurs in the last base pair of coding exon 4, which makes it likely to have some effect on normal mRNA splicing. This nucleotide position is highly conserved in available vertebrate species. This amino acid position is highly conserved in available vertebrate species. In silico splice site analysis predicts that this alteration may weaken the native splice donor site. In addition, as a missense substitution this is predicted to be deleterious by in silico analysis. The evidence for this gene-disease relationship is limited; therefore, the clinical significance of this variant is unclear.

NM_133510.4(RAD51B):c.452G>C (p.Arg151Thr)

Gene: RAD51B (RAD51 paralog B; plus strand). Cytogenetic location: 14q24.1.
Variant type: single nucleotide variant.
Coding change: c.452G>C on transcript NM_133510.4 (MANE Select); coding-DNA position 452, G replaced by C.
Protein change: p.Arg151Thr; replaces arginine 151 with threonine.
Molecular consequence: missense variant.
Genome position (GRCh38, 1-based): chr14:67,865,139, G>C. VCF-style: chr14-67865139-G-C. GRCh37 (hg19) VCF-style: chr14-68331856-G-C.
Other names: c.452G>C, p.Arg151Thr (NM_001321809.2, NM_001321810.2, NM_001321812.1 and 6 more transcripts); c.338G>C, p.Arg113Thr (NM_001321815.1); c.95G>C, p.Arg32Thr (NM_001321817.2); short protein forms R113T, R151T, R32T.
Identifiers: ClinVar variation 4862886 (VCV004862886.1).
Genomic context (GRCh38, chr14:67,865,139, plus strand): 5'-TGGGAGGATTAGAAGGAGCTGTGGTGTACATTGACACAGAGTCTGCATTTAGTGCTGAAA[G>C]GTATGAGATTTTATTTTCTATTATAATGTTTTACTTTTGTAACTTATATACAGCATGAAA-3'
Protein context (NP_598194.1, residues 141-161): IDTESAFSAE[Arg151Thr]LVEIAESRFP